The following is an entry in ClinVar:

ClinVar aggregate classification (germline): Likely benign (1 of 4 stars; one submission).

Allele frequency attached by ClinVar (database versions not stated): gnomAD 0.00011; ExAC 0.00058.

Submission:

CeGaT Center for Human Genetics Tuebingen
Classification: Likely benign. Last evaluated: 2024-09-01. Review status: criteria provided, single submitter. Criteria: CeGaT Center For Human Genetics Tuebingen Variant Classification Criteria Version 2. Collection method: clinical testing. Allele origin: germline. Affected: yes. Observed: 3 variant alleles.
Comment: MUC5B: BP4, BP7

NM_002458.3(MUC5B):c.8271A>G (p.Arg2757=)

Genes: MUC5B (mucin 5B, oligomeric mucus/gel-forming; plus strand), MUC5B-AS1 (MUC5B antisense RNA 1; minus strand). Cytogenetic location: 11p15.5.
Variant type: single nucleotide variant.
Coding change: c.8271A>G on transcript NM_002458.3 (MANE Select); coding-DNA position 8271, A replaced by G.
Protein change: p.Arg2757=; no amino-acid change (arginine 2757 retained).
Molecular consequence: synonymous variant.
Genome position (GRCh38, 1-based): chr11:1,245,151, A>G. VCF-style: chr11-1245151-A-G. GRCh37 (hg19) VCF-style: chr11-1266381-A-G.
Identifiers: ClinVar variation 2641239 (VCV002641239.24), dbSNP rs199870240, ClinGen allele CA5806596.